The following is an entry in ClinVar:

ClinVar aggregate classification (germline): Uncertain significance. Review status: criteria provided, multiple submitters, no conflicts (2 of 4 stars). 5 submissions from 5 submitters: Uncertain significance (5). Last evaluated 2025-04-10.

Conditions:
Inborn genetic diseases. Identifiers: MedGen C0950123, MeSH D030342.

Allele frequency attached by ClinVar (database versions not stated): gnomAD 0.00001; TOPMed 0.00003; gnomAD exomes 0.00005; ExAC 0.00006.
gnomAD v4.1: 91 of 1,530,952 alleles (0.0059%); highest among the groups gnomAD compares: Middle Eastern, 0.018%; no homozygotes.

Submissions (5):

Ambry Genetics
Classification: Uncertain significance for Inborn genetic diseases. Last evaluated: 2025-04-10. Review status: criteria provided, single submitter. Criteria: Ambry Variant Classification Scheme 2023. Collection method: clinical testing. Allele origin: germline.

Labcorp Genetics (formerly Invitae), Labcorp
Classification: Uncertain significance. Last evaluated: 2023-10-13. Review status: criteria provided, single submitter. Criteria: Invitae Variant Classification Sherloc (09022015). Collection method: clinical testing. Allele origin: germline.
Comment: This sequence change replaces serine, which is neutral and polar, with leucine, which is neutral and non-polar, at codon 97 of the NUBPL protein (p.Ser97Leu). This variant is present in population databases (rs35433432, gnomAD 0.007%). This variant has not been reported in the literature in individuals affected with NUBPL-related conditions. ClinVar contains an entry for this variant (Variation ID: 214886). An algorithm developed to predict the effect of missense changes on protein structure and function (PolyPhen-2) suggests that this variant¬†is likely to be tolerated. In summary, the available evidence is currently insufficient to determine the role of this variant in disease. Therefore, it has been classified as a Variant of Uncertain Significance.

Blueprint Genetics
Classification: Uncertain significance. Last evaluated: 2023-10-11. Review status: criteria provided, single submitter. Criteria: ACMG Guidelines, 2015. Collection method: clinical testing. Allele origin: germline.

Mayo Clinic Laboratories, Mayo Clinic
Classification: Uncertain significance. Last evaluated: 2023-06-21. Review status: criteria provided, single submitter. Criteria: ACMG Guidelines, 2015. Collection method: clinical testing. Allele origin: germline. Observed: 2 variant alleles.
Comment: BP4

GeneDx
Classification: Uncertain significance. Last evaluated: 2022-09-23. Review status: criteria provided, single submitter. Criteria: GeneDx Variant Classification Process June 2021. Collection method: clinical testing. Allele origin: germline. Affected: yes.
Comment: Not observed at significant frequency in large population cohorts (gnomAD); In silico analysis supports that this missense variant does not alter protein structure/function; Has not been previously published as pathogenic or benign to our knowledge

NM_025152.3(NUBPL):c.290C>T (p.Ser97Leu)

Gene: NUBPL (NUBP iron-sulfur cluster assembly factor, mitochondrial; plus strand). Cytogenetic location: 14q12.
Variant type: single nucleotide variant.
Coding change: c.290C>T on transcript NM_025152.3 (MANE Select); coding-DNA position 290, C replaced by T.
Protein change: p.Ser97Leu; replaces serine 97 with leucine.
Molecular consequence: missense variant. On other transcripts: non-coding transcript variant (1).
Genome position (GRCh38, 1-based): chr14:31,565,047, C>T. VCF-style: chr14-31565047-C-T. GRCh37 (hg19) VCF-style: chr14-32034253-C-T.
Other names: p.Ser97Leu; short protein forms S97L.
Identifiers: ClinVar variation 214886 (VCV000214886.12), dbSNP rs35433432, ClinGen allele CA324836.